The following is an entry in ClinVar:

ClinVar aggregate classification (germline): Uncertain significance (1 of 4 stars; one submission).

Conditions:
Inborn genetic diseases. Identifiers: MedGen C0950123, MeSH D030342.

Allele frequency attached by ClinVar (database versions not stated): gnomAD exomes below 0.00001.
gnomAD v4.1: 1 of 1,607,282 alleles (0.000062%); highest among the groups gnomAD compares: Non-Finnish European, 0.000085%; no homozygotes.

Submission:

Ambry Genetics
Classification: Uncertain significance for Inborn genetic diseases. Last evaluated: 2023-09-29. Review status: criteria provided, single submitter. Criteria: Ambry Variant Classification Scheme 2023. Collection method: clinical testing. Allele origin: germline.
Comment: The p.I348S variant (also known as c.1043T>G), located in coding exon 4 of the PIK3CA gene, results from a T to G substitution at nucleotide position 1043. The isoleucine at codon 348 is replaced by serine, an amino acid with dissimilar properties. This amino acid position is conserved. In addition, this alteration is predicted to be deleterious by in silico analysis. Since supporting evidence is limited at this time, the clinical significance of this alteration remains unclear.

NM_006218.4(PIK3CA):c.1043T>G (p.Ile348Ser)

Gene: PIK3CA (phosphatidylinositol-4,5-bisphosphate 3-kinase catalytic subunit alpha; plus strand). Cytogenetic location: 3q26.32.
Variant type: single nucleotide variant.
Coding change: c.1043T>G on transcript NM_006218.4 (MANE Select); coding-DNA position 1043, T replaced by G.
Protein change: p.Ile348Ser; replaces isoleucine 348 with serine.
Molecular consequence: missense variant.
Genome position (GRCh38, 1-based): chr3:179,203,773, T>G. VCF-style: chr3-179203773-T-G. GRCh37 (hg19) VCF-style: chr3-178921561-T-G.
Other names: short protein forms I348S.
Identifiers: ClinVar variation 3225322 (VCV003225322.1), dbSNP rs2108393310, ClinGen allele CA355281543.